The following is an entry in ClinVar:

ClinVar aggregate classification (germline): Uncertain significance. Review status: criteria provided, multiple submitters, no conflicts (2 of 4 stars). 2 submissions from 2 submitters: Uncertain significance (2). Last evaluated 2022-09-07.

Conditions:
Birt-Hogg-Dube syndrome. Also called: Birt Hogg Dubé syndrome. Identifiers: Orphanet 122, MedGen C0346010, MONDO:0800444.
Hereditary cancer-predisposing syndrome. Also called: Hereditary Cancer Syndrome; Neoplastic Syndromes, Hereditary; Hereditary neoplastic syndrome; Tumor predisposition. Identifiers: Orphanet 140162, MedGen C0027672, MeSH D009386, MONDO:0015356.

Allele frequency attached by ClinVar (database versions not stated): TOPMed 0.00001.
gnomAD v4.1: 1 of 1,614,082 alleles (0.000062%); highest among the groups gnomAD compares: African/African-American, 0.0013%; no homozygotes.

Submissions (2):

Labcorp Genetics (formerly Invitae), Labcorp
Classification: Uncertain significance for Birt-Hogg-Dube syndrome. Last evaluated: 2022-09-07. Review status: criteria provided, single submitter. Criteria: Invitae Variant Classification Sherloc (09022015). Collection method: clinical testing. Allele origin: germline.
Comment: This sequence change replaces alanine, which is neutral and non-polar, with serine, which is neutral and polar, at codon 445 of the FLCN protein (p.Ala445Ser). This variant is not present in population databases (gnomAD no frequency). This variant has not been reported in the literature in individuals affected with FLCN-related conditions. ClinVar contains an entry for this variant (Variation ID: 818969). Algorithms developed to predict the effect of missense changes on protein structure and function (SIFT, PolyPhen-2, Align-GVGD) all suggest that this variant is likely to be tolerated. In summary, the available evidence is currently insufficient to determine the role of this variant in disease. Therefore, it has been classified as a Variant of Uncertain Significance.

Ambry Genetics
Classification: Uncertain significance for Hereditary cancer-predisposing syndrome. Last evaluated: 2019-01-16. Review status: criteria provided, single submitter. Criteria: Ambry Variant Classification Scheme 2023. Collection method: clinical testing. Allele origin: germline.
Comment: The p.A445S variant (also known as c.1333G>T), located in coding exon 9 of the FLCN gene, results from a G to T substitution at nucleotide position 1333. The alanine at codon 445 is replaced by serine, an amino acid with similar properties. This amino acid position is poorly conserved in available vertebrate species. In addition, this alteration is predicted to be tolerated by in silico analysis. Since supporting evidence is limited at this time, the clinical significance of this alteration remains unclear.

NM_144997.7(FLCN):c.1333G>T (p.Ala445Ser)

Gene: FLCN (folliculin; minus strand). Cytogenetic location: 17p11.2.
Variant type: single nucleotide variant.
Coding change: c.1333G>T on transcript NM_144997.7 (MANE Select); coding-DNA position 1333, G replaced by T.
Protein change: p.Ala445Ser; replaces alanine 445 with serine.
Molecular consequence: missense variant.
Genome position (GRCh38, 1-based): chr17:17,215,284, C>A on the plus strand (G>T on the coding strand, the complement: FLCN is on the minus strand). VCF-style: chr17-17215284-C-A. GRCh37 (hg19) VCF-style: chr17-17118598-C-A.
Other names: c.1387G>T, p.Ala463Ser (NM_001353229.2); c.1333G>T, p.Ala445Ser (NM_001353230.2, NM_001353231.2); short protein forms A445S, A463S.
Identifiers: ClinVar variation 818969 (VCV000818969.10), dbSNP rs41419545, ClinGen allele CA288305789.